The following is an entry in ClinVar:

NM_001130987.2(DYSF):c.5736C>G (p.Phe1912Leu)

Gene: DYSF (dysferlin; plus strand). Cytogenetic location: 2p13.2.
Variant type: single nucleotide variant.
Coding change: c.5736C>G on transcript NM_001130987.2 (MANE Select); coding-DNA position 5736, C replaced by G.
Protein change: p.Phe1912Leu; replaces phenylalanine 1912 with leucine.
Molecular consequence: missense variant.
Genome position (GRCh38, 1-based): chr2:71,669,698, C>G. VCF-style: chr2-71669698-C-G. GRCh37 (hg19) VCF-style: chr2-71896828-C-G.
Other names: c.5622C>G, p.Phe1874Leu (NM_001130455.2); c.5577C>G, p.Phe1859Leu (NM_001130976.2); c.5640C>G, p.Phe1880Leu (NM_001130977.2); c.5682C>G, p.Phe1894Leu (NM_001130978.2); c.5712C>G, p.Phe1904Leu (NM_001130979.2); c.5670C>G, p.Phe1890Leu (NM_001130980.2); c.5733C>G, p.Phe1911Leu (NM_001130981.2); c.5715C>G, p.Phe1905Leu (NM_001130982.2); and 5 more; short protein forms F1911L, F1891L, F1895L, F1905L, F1860L, F1881L, F1904L, F1912L.
Identifiers: ClinVar variation 1406827 (VCV001406827.7), dbSNP rs2152956624, ClinGen allele CA347223936.
Genomic context (GRCh38, chr2:71,669,698, plus strand): 5'-GACAGACGTGCATTATCGTTCCCTGGGAGGTGAAGGCAACTTCAACTGGAGGTTCATTTT[C>G]CCCTTCGACTACCTGCCAGCTGAGCAAGTCTGTACCATTGCCAAGAAGGTCAGTGTCCTT-3'
Protein context (NP_001124459.1, residues 1902-1922): GEGNFNWRFI[Phe1912Leu]PFDYLPAEQV

ClinVar aggregate classification (germline): Uncertain significance (1 of 4 stars; one submission).

Conditions:
Neuromuscular disease caused by qualitative or quantitative defects of dysferlin. Also called: Qualitative or quantitative defects of dysferlin; Dysferlinopathy. Identifiers: Orphanet 207073, MedGen C2931687, MONDO:0016145.

gnomAD v4.1: 1 of 1,614,172 alleles (0.000062%); highest among the groups gnomAD compares: South Asian, 0.0011%; no homozygotes.

Submission:

Labcorp Genetics (formerly Invitae), Labcorp
Classification: Uncertain significance for Neuromuscular disease caused by qualitative or quantitative defects of dysferlin. Last evaluated: 2024-10-29. Review status: criteria provided, single submitter. Criteria: Invitae Variant Classification Sherloc (09022015). Collection method: clinical testing. Allele origin: germline.
Comment: This sequence change replaces phenylalanine, which is neutral and non-polar, with leucine, which is neutral and non-polar, at codon 1873 of the DYSF protein (p.Phe1873Leu). This variant is not present in population databases (gnomAD no frequency). This variant has not been reported in the literature in individuals affected with DYSF-related conditions. ClinVar contains an entry for this variant (Variation ID: 1406827). Invitae Evidence Modeling of protein sequence and biophysical properties (such as structural, functional, and spatial information, amino acid conservation, physicochemical variation, residue mobility, and thermodynamic stability) has been performed for this missense variant. However, the output from this modeling did not meet the statistical confidence thresholds required to predict the impact of this variant on DYSF protein function. In summary, the available evidence is currently insufficient to determine the role of this variant in disease. Therefore, it has been classified as a Variant of Uncertain Significance.